The following is an entry in ClinVar:

ClinVar aggregate classification (germline): Uncertain significance. Review status: criteria provided, multiple submitters, no conflicts (2 of 4 stars). 2 submissions from 2 submitters: Uncertain significance (2). Last evaluated 2026-03-03.

Conditions:
MYH7B-related disorder. Also called: MYH7B-related condition.

Allele frequency attached by ClinVar (database versions not stated): ExAC 0.00002; TOPMed 0.00002; gnomAD exomes 0.00003.
gnomAD v4.1: 44 of 1,614,146 alleles (0.0027%); highest among the groups gnomAD compares: Non-Finnish European, 0.0034%; no homozygotes.

Submissions (2):

PreventionGenetics, part of Exact Sciences
Classification: Uncertain significance for MYH7B-related condition. Last evaluated: 2026-03-03. Review status: criteria provided, single submitter. Criteria: ACMG Guidelines, 2015. Collection method: clinical testing. Allele origin: germline.
Comment: The MYH7B c.2165T>C variant is predicted to result in the amino acid substitution p.Ile722Thr. To our knowledge, this variant has not been reported in the literature. This variant is reported in 0.0056% of alleles in individuals of East Asian descent in gnomAD. At this time, the clinical significance of this variant is uncertain due to the absence of conclusive functional and genetic evidence.

Labcorp Genetics (formerly Invitae), Labcorp
Classification: Uncertain significance. Last evaluated: 2023-12-13. Review status: criteria provided, single submitter. Criteria: Invitae Variant Classification Sherloc (09022015). Collection method: clinical testing. Allele origin: germline.
Comment: This sequence change replaces isoleucine, which is neutral and non-polar, with threonine, which is neutral and polar, at codon 722 of the MYH7B protein (p.Ile722Thr). This variant is present in population databases (rs753795511, gnomAD 0.006%). This variant has not been reported in the literature in individuals affected with MYH7B-related conditions. Advanced modeling of protein sequence and biophysical properties (such as structural, functional, and spatial information, amino acid conservation, physicochemical variation, residue mobility, and thermodynamic stability) performed at Invitae indicates that this missense variant is expected to disrupt MYH7B protein function with a positive predictive value of 80%. In summary, the available evidence is currently insufficient to determine the role of this variant in disease. Therefore, it has been classified as a Variant of Uncertain Significance.

NM_020884.7(MYH7B):c.2039T>C (p.Ile680Thr)

Gene: MYH7B (myosin heavy chain 7B; plus strand). Cytogenetic location: 20q11.22.
Variant type: single nucleotide variant.
Coding change: c.2039T>C on transcript NM_020884.7 (MANE Select); coding-DNA position 2039, T replaced by C.
Protein change: p.Ile680Thr; replaces isoleucine 680 with threonine.
Molecular consequence: missense variant.
Genome position (GRCh38, 1-based): chr20:34,990,799, T>C. VCF-style: chr20-34990799-T-C. GRCh37 (hg19) VCF-style: chr20-33578602-T-C.
Other names: c.2165T>C (NM_020884.4); short protein forms I680T.
Identifiers: ClinVar variation 2975397 (VCV002975397.4), dbSNP rs753795511, ClinGen allele CA9827201.